The following is an entry in ClinVar:

ClinVar aggregate classification (germline): Uncertain significance (1 of 4 stars; one submission).

Allele frequency attached by ClinVar (database versions not stated): TOPMed below 0.00001; ExAC 0.00001.
gnomAD v4.1: 10 of 1,611,786 alleles (0.00062%); highest among the groups gnomAD compares: South Asian, 0.0022%; no homozygotes.

Submission:

GeneDx
Classification: Uncertain significance. Last evaluated: 2020-01-22. Review status: criteria provided, single submitter. Criteria: GeneDx Variant Classification Process June 2021. Collection method: clinical testing. Allele origin: germline. Affected: yes.
Comment: Has not been previously published as pathogenic or benign to our knowledge; Not observed at a significant frequency in large population cohorts (Lek et al., 2016); In silico analysis, which includes protein predictors and evolutionary conservation, supports that this variant does not alter protein structure/function

NM_001365276.2(TNXB):c.8455G>A (p.Val2819Met)

Gene: TNXB (tenascin XB; minus strand). Cytogenetic location: 6p21.33.
Variant type: single nucleotide variant.
Coding change: c.8455G>A on transcript NM_001365276.2 (MANE Select); coding-DNA position 8455, G replaced by A.
Protein change: p.Val2819Met; replaces valine 2819 with methionine.
Molecular consequence: missense variant.
Genome position (GRCh38, 1-based): chr6:32,055,863, C>T on the plus strand (G>A on the coding strand, the complement: TNXB is on the minus strand). VCF-style: chr6-32055863-C-T. GRCh37 (hg19) VCF-style: chr6-32023640-C-T.
Other names: c.8455G>A, p.Val2819Met (NM_019105.8); short protein forms V2819M.
Identifiers: ClinVar variation 1313156 (VCV001313156.2), dbSNP rs202023928, ClinGen allele CA3733842.